The following is an entry in ClinVar:

ClinVar aggregate classification (germline): Pathogenic. Review status: criteria provided, single submitter (1 of 4 stars). 2 submissions from 2 submitters: Pathogenic (1). 1 of the submissions does not count toward it. Last evaluated 2023-04-03.

Conditions:
Aspartylglucosaminuria (AGU). Also called: AGA DEFICIENCY; Aspartylglucos-aminuria; Aspartylglucos-amidase (AGA) deficiency; GLYCOASPARAGINASE; GLYCOSYLASPARAGINASE DEFICIENCY. Identifiers: Orphanet 93, MedGen C0268225, MONDO:0008830, OMIM 208400, HP:0012068.

Submissions (2):

Labcorp Genetics (formerly Invitae), Labcorp
Classification: Pathogenic for Aspartylglucosaminuria. Last evaluated: 2023-04-03. Review status: criteria provided, single submitter. Criteria: Invitae Variant Classification Sherloc (09022015). Collection method: clinical testing. Allele origin: germline.
Comment: Disruption of this splice site has been observed in individual(s) with aspartylglucosaminuria (PMID: 1879549, 6883788). This variant is not present in population databases (gnomAD no frequency). This sequence change affects a donor splice site in intron 8 of the AGA gene. RNA analysis indicates that disruption of this splice site induces altered splicing and likely disrupts the C-terminus of the protein. ClinVar contains an entry for this variant (Variation ID: 555229). For these reasons, this variant has been classified as Pathogenic. Variants that disrupt the consensus splice site are a relatively common cause of aberrant splicing (PMID: 17576681, 9536098). Studies have shown that disruption of this splice site results in skipping of exon 8 and introduces a new termination codon (PMID: 1879549). However the mRNA is not expected to undergo nonsense-mediated decay. Experimental studies have shown that disruption of this splice site affects AGA function (PMID: 1879549). Algorithms developed to predict the effect of variants on protein structure and function are not available or were not evaluated for this variant.

Counsyl
Classification: Likely pathogenic for Aspartylglucosaminuria. Last evaluated: 2017-11-30. Review status: no assertion criteria provided. Collection method: clinical testing. Allele origin: unknown. Not counted in ClinVar's aggregate classification.

Literature cited by the submitters: PubMed 1879549 (cited by Labcorp Genetics (formerly Invitae), Labcorp); PubMed 6883788 (cited by Labcorp Genetics (formerly Invitae), Labcorp); PubMed 17576681 (cited by Labcorp Genetics (formerly Invitae), Labcorp); PubMed 9536098 (cited by Labcorp Genetics (formerly Invitae), Labcorp).

NM_000027.4(AGA):c.940+1G>A

Gene: AGA (aspartylglucosaminidase; minus strand). Cytogenetic location: 4q34.3.
Variant type: single nucleotide variant.
Coding change: c.940+1G>A on transcript NM_000027.4 (MANE Select); the canonical splice donor site of the intron after coding-DNA position 940, G replaced by A.
Molecular consequence: splice donor variant.
Genome position (GRCh38, 1-based): chr4:177,433,213, C>T on the plus strand (G>A on the coding strand, the complement: AGA is on the minus strand). VCF-style: chr4-177433213-C-T. GRCh37 (hg19) VCF-style: chr4-178354367-C-T.
Other names: c.910+1G>A (NM_001171988.2).
Identifiers: ClinVar variation 555229 (VCV000555229.5), dbSNP rs386833437, ClinGen allele CA358781104.